The following is an entry in ClinVar:

NM_003200.5(TCF3):c.818G>A (p.Arg273His)

Gene: TCF3 (transcription factor 3; minus strand). Cytogenetic location: 19p13.3.
Variant type: single nucleotide variant.
Coding change: c.818G>A on transcript NM_003200.5 (MANE Select); coding-DNA position 818, G replaced by A.
Protein change: p.Arg273His; replaces arginine 273 with histidine.
Molecular consequence: missense variant.
Genome position (GRCh38, 1-based): chr19:1,622,058, C>T on the plus strand (G>A on the coding strand, the complement: TCF3 is on the minus strand). VCF-style: chr19-1622058-C-T. GRCh37 (hg19) VCF-style: chr19-1622057-C-T.
Other names: c.818G>A, p.Arg273His (NM_001136139.4, NM_001351778.2, NM_001351779.2); short protein forms R273H.
Identifiers: ClinVar variation 1415126 (VCV001415126.7), dbSNP rs763476552, ClinGen allele CA9050224.

ClinVar aggregate classification (germline): Uncertain significance. Review status: criteria provided, multiple submitters, no conflicts (2 of 4 stars). 2 submissions from 2 submitters: Uncertain significance (2). Last evaluated 2025-08-10.

Allele frequency attached by ClinVar (database versions not stated): gnomAD exomes 0.00002 and 0.00003; ExAC 0.00003; gnomAD 0.00001; TOPMed 0.00001.
gnomAD v4.1: 24 of 1,540,308 alleles (0.0016%); highest among the groups gnomAD compares: East Asian, 0.038%; 1 homozygote.

Submissions (2):

Labcorp Genetics (formerly Invitae), Labcorp
Classification: Uncertain significance. Last evaluated: 2025-08-10. Review status: criteria provided, single submitter. Criteria: Invitae Variant Classification Sherloc (09022015). Collection method: clinical testing. Allele origin: germline.
Comment: This sequence change replaces arginine, which is basic and polar, with histidine, which is basic and polar, at codon 273 of the TCF3 protein (p.Arg273His). This variant is present in population databases (rs763476552, gnomAD 0.009%). This variant has not been reported in the literature in individuals affected with TCF3-related conditions. ClinVar contains an entry for this variant (Variation ID: 1415126). Invitae Evidence Modeling of protein sequence and biophysical properties (such as structural, functional, and spatial information, amino acid conservation, physicochemical variation, residue mobility, and thermodynamic stability) has been performed for this missense variant. However, the output from this modeling did not meet the statistical confidence thresholds required to predict the impact of this variant on TCF3 protein function. In summary, the available evidence is currently insufficient to determine the role of this variant in disease. Therefore, it has been classified as a Variant of Uncertain Significance.

Breakthrough Genomics
Classification: Uncertain significance. Review status: criteria provided, single submitter. Criteria: ACMG Guidelines, 2015. Collection method: not provided. Allele origin: germline. Inheritance: Autosomal recessive inheritance. Affected: yes.